The following is an entry in ClinVar:

NM_004036.5(ADCY3):c.101G>A (p.Arg34Gln)

Gene: ADCY3 (adenylate cyclase 3; minus strand). Cytogenetic location: 2p23.3.
Variant type: single nucleotide variant.
Coding change: c.101G>A on transcript NM_004036.5 (MANE Select); coding-DNA position 101, G replaced by A.
Protein change: p.Arg34Gln; replaces arginine 34 with glutamine.
Molecular consequence: missense variant.
Genome position (GRCh38, 1-based): chr2:24,918,887, C>T on the plus strand (G>A on the coding strand, the complement: ADCY3 is on the minus strand). VCF-style: chr2-24918887-C-T. GRCh37 (hg19) VCF-style: chr2-25141756-C-T.
Other names: c.101G>A, p.Arg34Gln (NM_001320613.2, NM_001377128.1, NM_001377129.1 and 2 more transcripts); short protein forms R34Q.
Identifiers: ClinVar variation 5002508 (VCV005002508.1).

ClinVar aggregate classification (germline): Uncertain significance (1 of 4 stars; one submission).

Conditions:
ADCY3-related disorder. Also called: ADCY3-related condition.

Submission:

PreventionGenetics, part of Exact Sciences
Classification: Uncertain significance for ADCY3-related condition. Last evaluated: 2025-08-12. Review status: criteria provided, single submitter. Criteria: ACMG Guidelines, 2015. Collection method: clinical testing. Allele origin: germline.
Comment: The ADCY3 c.101G>A variant is predicted to result in the amino acid substitution p.Arg34Gln. To our knowledge, this variant has not been reported in the literature or in a large population database (gnomAD), indicating this variant is rare. At this time, the clinical significance of this variant is uncertain due to the absence of conclusive functional and genetic evidence.